The following is an entry in ClinVar:

ClinVar aggregate classification (germline): Uncertain significance (1 of 4 stars; one submission).

Submission:

Labcorp Genetics (formerly Invitae), Labcorp
Classification: Uncertain significance. Last evaluated: 2024-02-12. Review status: criteria provided, single submitter. Criteria: Invitae Variant Classification Sherloc (09022015). Collection method: clinical testing. Allele origin: germline.
Comment: This sequence change replaces glutamic acid, which is acidic and polar, with alanine, which is neutral and non-polar, at codon 1776 of the TCF20 protein (p.Glu1776Ala). This variant is not present in population databases (gnomAD no frequency). This variant has not been reported in the literature in individuals affected with TCF20-related conditions. An algorithm developed to predict the effect of missense changes on protein structure and function (PolyPhen-2) suggests that this variant is likely to be tolerated. In summary, the available evidence is currently insufficient to determine the role of this variant in disease. Therefore, it has been classified as a Variant of Uncertain Significance.

NM_001378418.1(TCF20):c.5327A>C (p.Glu1776Ala)

Gene: TCF20 (transcription factor 20; minus strand). Cytogenetic location: 22q13.2.
Variant type: single nucleotide variant.
Coding change: c.5327A>C on transcript NM_001378418.1 (MANE Select); coding-DNA position 5327, A replaced by C.
Protein change: p.Glu1776Ala; replaces glutamic acid 1776 with alanine.
Molecular consequence: missense variant.
Genome position (GRCh38, 1-based): chr22:42,209,979, T>G on the plus strand (A>C on the coding strand, the complement: TCF20 is on the minus strand). VCF-style: chr22-42209979-T-G. GRCh37 (hg19) VCF-style: chr22-42605985-T-G.
Other names: c.5327A>C, p.Glu1776Ala (NM_005650.4, NM_181492.3); short protein forms E1776A.
Identifiers: ClinVar variation 3690017 (VCV003690017.2).